The following is an entry in ClinVar:

ClinVar aggregate classification (germline): Benign. Review status: criteria provided, multiple submitters, no conflicts (2 of 4 stars). 6 submissions from 6 submitters: Benign (4). 2 of the submissions do not count toward it. Last evaluated 2022-03-24.

Conditions:
Marinesco-Sjögren syndrome (MSS). Also called: Marinesco-SjÃ¶gren syndrome; Marinesco-Sjogren Syndrome. Identifiers: Orphanet 559, MedGen C0024814, MONDO:0009567, OMIM 248800.

Allele frequency attached by ClinVar (database versions not stated): 1000 Genomes Project 0.03055; 1000 Genomes Project 30x 0.03061; TOPMed 0.05734; ESP Exome Variant Server 0.05966; gnomAD 0.06144; gnomAD exomes 0.06571 and 0.07671; ExAC 0.10061.
gnomAD v4.1: 118,800 of 1,584,276 alleles (7.5%); highest among the groups gnomAD compares: Non-Finnish European, 8.5%; 5,027 homozygotes.

Submissions (7):

Mayo Clinic Laboratories, Mayo Clinic
Classification: Benign. Last evaluated: 2022-03-24. Review status: criteria provided, single submitter. Criteria: ACMG Guidelines, 2015. Collection method: clinical testing. Allele origin: germline. Observed: 117 variant alleles.

Illumina Laboratory Services, Illumina
Classification: Benign for Marinesco-Sjögren syndrome. Last evaluated: 2018-01-13. Review status: criteria provided, single submitter. Criteria: ICSL Variant Classification Criteria 13 December 2019. Collection method: clinical testing. Allele origin: germline.
Comment: This variant was observed in the ICSL laboratory as part of a predisposition screen in an ostensibly healthy population. It had not been previously curated by ICSL or reported in the Human Gene Mutation Database (HGMD: prior to June 1st, 2018), and was therefore a candidate for classification through an automated scoring system. Utilizing variant allele frequency, disease prevalence and penetrance estimates, and inheritance mode, an automated score was calculated to assess if this variant is too frequent to cause the disease. Based on the score and internal cut-off values, a variant classified as benign is not then subjected to further curation. The score for this variant resulted in a classification of benign for this disease.

GeneDx
Classification: Benign. Last evaluated: 2016-02-04. Review status: criteria provided, single submitter. Criteria: GeneDx Variant Classification (06012015). Collection method: clinical testing. Allele origin: germline. Affected: yes.
Comment: This variant is considered likely benign or benign based on one or more of the following criteria: it is a conservative change, it occurs at a poorly conserved position in the protein, it is predicted to be benign by multiple in silico algorithms, and/or has population frequency not consistent with disease.

PreventionGenetics, part of Exact Sciences
Classification: Benign. Review status: criteria provided, single submitter. Criteria: ACMG Guidelines, 2015. Collection method: clinical testing. Allele origin: germline.

Clinical Genetics DNA and cytogenetics Diagnostics Lab, Erasmus MC, Erasmus Medical Center
Classification: Benign. Review status: no assertion criteria provided. Collection method: clinical testing. Allele origin: germline. Affected: yes. Study: VKGL Data-share Consensus. Not counted in ClinVar's aggregate classification.

Dr. Peter K. Rogan Lab, Western University
No classification provided (evidence only). Condition: Cholangiocarcinoma. Review status: no classification provided. Collection method: in vitro. Allele origin: not applicable. Functional consequence: retained intron. Not counted in ClinVar's aggregate classification.

Joint Genome Diagnostic Labs from Nijmegen and Maastricht, Radboudumc and MUMC+
Classification: Benign. Review status: no assertion criteria provided. Collection method: clinical testing. Allele origin: germline. Affected: yes. Study: VKGL Data-share Consensus. Not counted in ClinVar's aggregate classification.

NM_022464.5(SIL1):c.-6C>G

Gene: SIL1 (SIL1 nucleotide exchange factor; minus strand). Cytogenetic location: 5q31.2.
Variant type: single nucleotide variant.
Coding change: c.-6C>G on transcript NM_022464.5 (MANE Select); 6 bases upstream of the start codon, C replaced by G.
Molecular consequence: 5 prime UTR variant.
Genome position (GRCh38, 1-based): chr5:139,127,849, G>C on the plus strand (C>G on the coding strand, the complement: SIL1 is on the minus strand). VCF-style: chr5-139127849-G-C. GRCh37 (hg19) VCF-style: chr5-138463538-G-C.
Other names: NC_000005.9:g.138463538G>C; c.-6C>G (NM_001037633.2).
Identifiers: ClinVar variation 261600 (VCV000261600.11), dbSNP rs11555154, ClinGen allele CA3432709.